The following is an entry in ClinVar:

NM_001040108.2(MLH3):c.3460C>T (p.Pro1154Ser)

Gene: MLH3 (mutL homolog 3; minus strand). Cytogenetic location: 14q24.3.
Variant type: single nucleotide variant.
Coding change: c.3460C>T on transcript NM_001040108.2 (MANE Select); coding-DNA position 3460, C replaced by T.
Protein change: p.Pro1154Ser; replaces proline 1154 with serine.
Molecular consequence: missense variant.
Genome position (GRCh38, 1-based): chr14:75,041,620, G>A on the plus strand (C>T on the coding strand, the complement: MLH3 is on the minus strand). VCF-style: chr14-75041620-G-A. GRCh37 (hg19) VCF-style: chr14-75508323-G-A.
Other names: c.3460C>T, p.Pro1154Ser (NM_014381.3); short protein forms P1154S.
Identifiers: ClinVar variation 4055432 (VCV004055432.1).

ClinVar aggregate classification (germline): Uncertain significance (1 of 4 stars; one submission).

gnomAD v4.1: 3 of 1,612,320 alleles (0.00019%); highest among the groups gnomAD compares: South Asian, 0.0022%; no homozygotes.

Submission:

Ambry Genetics
Classification: Uncertain significance. Last evaluated: 2025-04-19. Review status: criteria provided, single submitter. Criteria: Ambry Variant Classification Scheme 2023. Collection method: clinical testing. Allele origin: germline.
Comment: The p.P1154S variant (also known as c.3460C>T), located in coding exon 3 of the MLH3 gene, results from a C to T substitution at nucleotide position 3460. The proline at codon 1154 is replaced by serine, an amino acid with similar properties. This amino acid position is conserved. In addition, the in silico prediction for this alteration is inconclusive. Based on the available evidence, the clinical significance of this variant remains unclear.